The following is an entry in ClinVar:

NM_004714.3(DYRK1B):c.1598C>T (p.Ser533Leu)

Gene: DYRK1B (dual specificity tyrosine phosphorylation regulated kinase 1B; minus strand). Cytogenetic location: 19q13.2.
Variant type: single nucleotide variant.
Coding change: c.1598C>T on transcript NM_004714.3 (MANE Select); coding-DNA position 1598, C replaced by T.
Protein change: p.Ser533Leu; replaces serine 533 with leucine.
Molecular consequence: missense variant.
Genome position (GRCh38, 1-based): chr19:39,826,007, G>A on the plus strand (C>T on the coding strand, the complement: DYRK1B is on the minus strand). VCF-style: chr19-39826007-G-A. GRCh37 (hg19) VCF-style: chr19-40316647-G-A.
Other names: c.1478C>T, p.Ser493Leu (NM_006483.3); c.1514C>T, p.Ser505Leu (NM_006484.3); short protein forms S505L, S493L, S533L.
Identifiers: ClinVar variation 4988333 (VCV004988333.1).

ClinVar aggregate classification (germline): Uncertain significance (1 of 4 stars; one submission).

Conditions:
DYRK1B-related disorder. Also called: DYRK1B-related condition.

gnomAD v4.1: 14 of 1,522,224 alleles (0.00092%); highest among the groups gnomAD compares: South Asian, 0.0092%; no homozygotes.

Submission:

PreventionGenetics, part of Exact Sciences
Classification: Uncertain significance for DYRK1B-related condition. Last evaluated: 2026-02-25. Review status: criteria provided, single submitter. Criteria: ACMG Guidelines, 2015. Collection method: clinical testing. Allele origin: germline.
Comment: The DYRK1B c.1598C>T variant is predicted to result in the amino acid substitution p.Ser533Leu. This variant has been reported de novo in an individual with a neurodevelopmental disorder (Kaplanis et al. 2020. PubMed ID: 33057194). This variant is reported in 0.0067% of alleles in individuals of South Asian descent in gnomAD. At this time, the clinical significance of this variant is uncertain due to the absence of conclusive functional and genetic evidence.